The following is an entry in ClinVar:

ClinVar aggregate classification (germline): Uncertain significance. Review status: criteria provided, multiple submitters, no conflicts (2 of 4 stars). 2 submissions from 2 submitters: Uncertain significance (2). Last evaluated 2025-09-10.

Conditions:
Hypertrophic cardiomyopathy. Also called: HYPERTROPHIC MYOCARDIOPATHY. Identifiers: Orphanet 217569, MedGen C0007194, MeSH D002312, MONDO:0005045, HP:0001639.

Allele frequency attached by ClinVar (database versions not stated): gnomAD exomes 0.00012; ExAC 0.00016; gnomAD 0.00025 and 0.00027; TOPMed 0.00027; ESP Exome Variant Server 0.00041.
gnomAD v4.1: 174 of 1,613,732 alleles (0.011%); highest among the groups gnomAD compares: African/African-American, 0.067%; 1 homozygote.

Submissions (2):

Labcorp Genetics (formerly Invitae), Labcorp
Classification: Uncertain significance for Hypertrophic cardiomyopathy. Last evaluated: 2025-09-10. Review status: criteria provided, single submitter. Criteria: Invitae Variant Classification Sherloc (09022015). Collection method: clinical testing. Allele origin: germline.
Comment: This sequence change replaces glutamic acid, which is acidic and polar, with lysine, which is basic and polar, at codon 1302 of the MYOM1 protein (p.Glu1302Lys). This variant is present in population databases (rs370699565, gnomAD 0.06%), and has an allele count higher than expected for a pathogenic variant. This variant has not been reported in the literature in individuals affected with MYOM1-related conditions. ClinVar contains an entry for this variant (Variation ID: 525028). Invitae Evidence Modeling of protein sequence and biophysical properties (such as structural, functional, and spatial information, amino acid conservation, physicochemical variation, residue mobility, and thermodynamic stability) has been performed for this missense variant. However, the output from this modeling did not meet the statistical confidence thresholds required to predict the impact of this variant on MYOM1 protein function. In summary, the available evidence is currently insufficient to determine the role of this variant in disease. Therefore, it has been classified as a Variant of Uncertain Significance.

Ambry Genetics
Classification: Uncertain significance. Last evaluated: 2025-02-15. Review status: criteria provided, single submitter. Criteria: Ambry Variant Classification Scheme 2023. Collection method: clinical testing. Allele origin: germline.
Comment: The p.E1302K variant (also known as c.3904G>A), located in coding exon 26 of the MYOM1 gene, results from a G to A substitution at nucleotide position 3904. The glutamic acid at codon 1302 is replaced by lysine, an amino acid with similar properties. This amino acid position is conserved. In addition, the in silico prediction for this alteration is inconclusive. Since supporting evidence is limited at this time, the clinical significance of this alteration remains unclear.

NM_003803.4(MYOM1):c.3904G>A (p.Glu1302Lys)

Gene: MYOM1 (myomesin 1; minus strand). Cytogenetic location: 18p11.31.
Variant type: single nucleotide variant.
Coding change: c.3904G>A on transcript NM_003803.4 (MANE Select); coding-DNA position 3904, G replaced by A.
Protein change: p.Glu1302Lys; replaces glutamic acid 1302 with lysine.
Molecular consequence: missense variant.
Genome position (GRCh38, 1-based): chr18:3,090,763, C>T on the plus strand (G>A on the coding strand, the complement: MYOM1 is on the minus strand). VCF-style: chr18-3090763-C-T. GRCh37 (hg19) VCF-style: chr18-3090761-C-T.
Other names: c.3616G>A, p.Glu1206Lys (NM_019856.2); short protein forms E1302K, E1206K.
Identifiers: ClinVar variation 525028 (VCV000525028.9), dbSNP rs370699565, ClinGen allele CA8874123.